The following is an entry in ClinVar:

ClinVar aggregate classification (germline): Uncertain significance (1 of 4 stars; one submission).

Conditions:
Immunodeficiency, common variable, 10. Also called: IMMUNODEFICIENCY, COMMON VARIABLE, WITH CENTRAL ADRENAL INSUFFICIENCY; DEFICIT IN ANTERIOR PITUITARY FUNCTION AND VARIABLE IMMUNODEFICIENCY. Identifiers: MedGen C3809991, MONDO:0014260, OMIM 615577.

Submission:

Labcorp Genetics (formerly Invitae), Labcorp
Classification: Uncertain significance for Immunodeficiency, common variable, 10. Last evaluated: 2024-05-22. Review status: criteria provided, single submitter. Criteria: Invitae Variant Classification Sherloc (09022015). Collection method: clinical testing. Allele origin: germline.
Comment: This sequence change falls in intron 15 of the NFKB2 gene. It does not directly change the encoded amino acid sequence of the NFKB2 protein. It affects a nucleotide within the consensus splice site. This variant is not present in population databases (gnomAD no frequency). This variant has not been reported in the literature in individuals affected with NFKB2-related conditions. Variants that disrupt the consensus splice site are a relatively common cause of aberrant splicing (PMID: 17576681, 9536098). Algorithms developed to predict the effect of sequence changes on RNA splicing suggest that this variant is not likely to affect RNA splicing. In summary, the available evidence is currently insufficient to determine the role of this variant in disease. Therefore, it has been classified as a Variant of Uncertain Significance.

Literature cited by the submitters: PubMed 17576681; PubMed 9536098.

NM_001322934.2(NFKB2):c.1584+6G>T

Gene: NFKB2 (nuclear factor kappa B subunit 2; plus strand). Cytogenetic location: 10q24.32.
Variant type: single nucleotide variant.
Coding change: c.1584+6G>T on transcript NM_001322934.2 (MANE Select); 6 bases into the intron after coding-DNA position 1584, G replaced by T.
Molecular consequence: intron variant.
Genome position (GRCh38, 1-based): chr10:102,400,200, G>T. VCF-style: chr10-102400200-G-T. GRCh37 (hg19) VCF-style: chr10-104159957-G-T.
Other names: c.1584+6G>T (NM_001288724.1, NM_001077494.3, NM_001261403.3 and 1 more transcripts); c.1458+6G>T (NM_001322935.1).
Identifiers: ClinVar variation 3654195 (VCV003654195.2).